The following is an entry in ClinVar:

NM_182493.3(MYLK3):c.16A>T (p.Lys6Ter)

Gene: MYLK3 (myosin light chain kinase 3; minus strand). Cytogenetic location: 16q11.2.
Variant type: single nucleotide variant.
Coding change: c.16A>T on transcript NM_182493.3 (MANE Select); coding-DNA position 16, A replaced by T.
Protein change: p.Lys6Ter; replaces lysine 6 with a stop codon.
Molecular consequence: nonsense. On other transcripts: intron variant (1).
Genome position (GRCh38, 1-based): chr16:46,748,178, T>A on the plus strand (A>T on the coding strand, the complement: MYLK3 is on the minus strand). VCF-style: chr16-46748178-T-A. GRCh37 (hg19) VCF-style: chr16-46782090-T-A.
Other names: c.-113-8031A>T (NM_001308301.1); short protein forms K6*.
Identifiers: ClinVar variation 4730813 (VCV004730813.1).

ClinVar aggregate classification (germline): Uncertain significance (1 of 4 stars; one submission).

gnomAD v4.1: 1 of 1,612,862 alleles (0.000062%); highest among the groups gnomAD compares: African/African-American, 0.0013%; no homozygotes.

Submission:

Labcorp Genetics (formerly Invitae), Labcorp
Classification: Uncertain significance. Last evaluated: 2025-11-09. Review status: criteria provided, single submitter. Criteria: Invitae Variant Classification Sherloc (09022015). Collection method: clinical testing. Allele origin: germline.
Comment: This sequence change creates a premature translational stop signal (p.Lys6*) in the MYLK3 gene. It is expected to result in an absent or disrupted protein product. However, the current clinical and genetic evidence is not sufficient to establish whether loss-of-function variants in MYLK3 cause disease. This variant is not present in population databases (gnomAD no frequency). This variant has not been reported in the literature in individuals affected with MYLK3-related conditions. In summary, the available evidence is currently insufficient to determine the role of this variant in disease. Therefore, it has been classified as a Variant of Uncertain Significance.